The following is an entry in ClinVar:

ClinVar aggregate classification (germline): Uncertain significance (1 of 4 stars; one submission).

Submission:

Ambry Genetics
Classification: Uncertain significance. Last evaluated: 2026-07-23. Review status: criteria provided, single submitter. Criteria: Ambry Variant Classification Scheme 2023. Collection method: clinical testing. Allele origin: germline.
Comment: The c.988C>T (p.P330S) alteration is located in exon 3 (coding exon 2) of the TEX13A gene. This alteration results from a C to T substitution at nucleotide position 988, causing the proline (P) at amino acid position 330 to be replaced by a serine (S). Based on data from gnomAD, the T allele has an overall frequency of 0.001% (2/203058) total alleles studied. The highest observed frequency was 0.002% (2/91910) of European (non-Finnish) alleles. Based on insufficient or conflicting evidence, the clinical significance of this alteration remains unclear.

NM_031274.5(TEX13A):c.988C>T (p.Pro330Ser)

Genes: IL1RAPL2 (interleukin 1 receptor accessory protein like 2; plus strand), TEX13A (testis expressed 13A; minus strand). Cytogenetic location: Xq22.3.
Variant type: single nucleotide variant.
Coding change: c.988C>T on transcript NM_031274.5 (MANE Select); coding-DNA position 988, C replaced by T.
Protein change: p.Pro330Ser; replaces proline 330 with serine.
Molecular consequence: missense variant. On other transcripts: intron variant (1).
Genome position (GRCh38, 1-based): chrX:105,219,206, G>A on the plus strand (C>T on the coding strand, the complement: TEX13A is on the minus strand). VCF-style: chrX-105219206-G-A. GRCh37 (hg19) VCF-style: chrX-104463888-G-A.
Other names: c.988C>T, p.Pro330Ser (NM_001291277.2); c.357-14612G>A (NM_017416.2); short protein forms P330S.
Identifiers: ClinVar variation 3325510 (VCV003325510.2).